The following is an entry in ClinVar:

ClinVar aggregate classification (germline): Uncertain significance (1 of 4 stars; one submission).

Conditions:
Genitopatellar syndrome (GTPTS). Also called: ABSENT PATELLAE, SCROTAL HYPOPLASIA, RENAL ANOMALIES, FACIAL DYSMORPHISM, AND MENTAL RETARDATION; Genitopatellar syndrome (GPS). Identifiers: Orphanet 85201, MedGen C1853566, MONDO:0011640, OMIM 606170.

Submission:

Labcorp Genetics (formerly Invitae), Labcorp
Classification: Uncertain significance for Genitopatellar syndrome. Last evaluated: 2024-01-26. Review status: criteria provided, single submitter. Criteria: Invitae Variant Classification Sherloc (09022015). Collection method: clinical testing. Allele origin: germline.
Comment: This sequence change replaces alanine, which is neutral and non-polar, with threonine, which is neutral and polar, at codon 1974 of the KAT6B protein (p.Ala1974Thr). This variant is not present in population databases (gnomAD no frequency). This variant has not been reported in the literature in individuals affected with KAT6B-related conditions. An algorithm developed to predict the effect of missense changes on protein structure and function (PolyPhen-2) suggests that this variant is likely to be tolerated. In summary, the available evidence is currently insufficient to determine the role of this variant in disease. Therefore, it has been classified as a Variant of Uncertain Significance.

NM_012330.4(KAT6B):c.5920G>A (p.Ala1974Thr)

Gene: KAT6B (lysine acetyltransferase 6B; plus strand). Cytogenetic location: 10q22.2.
Variant type: single nucleotide variant.
Coding change: c.5920G>A on transcript NM_012330.4 (MANE Select); coding-DNA position 5920, G replaced by A.
Protein change: p.Ala1974Thr; replaces alanine 1974 with threonine.
Molecular consequence: missense variant.
Genome position (GRCh38, 1-based): chr10:75,030,744, G>A. VCF-style: chr10-75030744-G-A. GRCh37 (hg19) VCF-style: chr10-76790502-G-A.
Other names: c.5371G>A, p.Ala1791Thr (NM_001256468.2, NM_001370138.1); c.5044G>A, p.Ala1682Thr (NM_001256469.2, NM_001370139.1, NM_001370140.1 and 2 more transcripts); c.4882G>A, p.Ala1628Thr (NM_001370132.1); c.4231G>A, p.Ala1411Thr (NM_001370133.1); c.3835G>A, p.Ala1279Thr (NM_001370134.1); c.3577G>A, p.Ala1193Thr (NM_001370135.1); c.5920G>A, p.Ala1974Thr (NM_001370136.1, NM_001370137.1); c.4855G>A, p.Ala1619Thr (NM_001370143.1, NM_001370144.1); short protein forms A1279T, A1628T, A1411T, A1974T, A1193T, A1682T, A1619T, A1791T.
Identifiers: ClinVar variation 2761116 (VCV002761116.3), dbSNP rs2549216536, ClinGen allele CA377302538.
Genomic context (GRCh38, chr10:75,030,744, plus strand): 5'-GGTCCTGCACGGACTTTAACGATGCAAAGAGGCATGAACATGAGTGTGAACCTGATGCCA[G>A]CGCCAGCCTACAATGTCAACTCTGTGAACATGAACATGAACACTCTCAACGCCATGAATG-3'
Protein context (NP_036462.2, residues 1964-1984): GMNMSVNLMP[Ala1974Thr]PAYNVNSVNM